The following is an entry in ClinVar:

NM_003072.5(SMARCA4):c.4137C>T (p.Tyr1379=)

Gene: SMARCA4 (SWI/SNF related BAF chromatin remodeling complex subunit ATPase 4; plus strand). Cytogenetic location: 19p13.2.
Variant type: single nucleotide variant.
Coding change: c.4137C>T on transcript NM_003072.5 (MANE Select); coding-DNA position 4137, C replaced by T.
Protein change: p.Tyr1379=; no amino-acid change (tyrosine 1379 retained).
Molecular consequence: synonymous variant. On other transcripts: non-coding transcript variant (1).
Genome position (GRCh38, 1-based): chr19:11,035,099, C>T. VCF-style: chr19-11035099-C-T. GRCh37 (hg19) VCF-style: chr19-11145775-C-T.
Other names: c.4137C>T, p.Tyr1379= (NM_001128844.3, NM_001128849.3); c.4038C>T, p.Tyr1346= (NM_001128845.2, NM_001128846.2, NM_001128847.4 and 2 more transcripts).
Identifiers: ClinVar variation 725188 (VCV000725188.12), dbSNP rs961075294, ClinGen allele CA305291544.

ClinVar aggregate classification (germline): Benign/Likely benign. Review status: criteria provided, multiple submitters, no conflicts (2 of 4 stars). 4 submissions from 4 submitters: Benign (1); Likely benign (3). Last evaluated 2026-07-16.

Conditions:
Rhabdoid tumor predisposition syndrome 2 (RTPS2). Identifiers: Orphanet 231108, Orphanet 69077, MedGen C2750074, MONDO:0013224, OMIM 613325.
Hereditary cancer-predisposing syndrome. Also called: Hereditary neoplastic syndrome; Neoplastic Syndromes, Hereditary; Tumor predisposition; Hereditary Cancer Syndrome. Identifiers: Orphanet 140162, MedGen C0027672, MeSH D009386, MONDO:0015356.

Allele frequency attached by ClinVar (database versions not stated): gnomAD exomes 0.00002 and below 0.00001.

Submissions (4):

Myriad Genetics, Inc.
Classification: Benign for Rhabdoid tumor predisposition syndrome 2. Last evaluated: 2026-07-16. Review status: criteria provided, single submitter. Criteria: Myriad Autosomal Dominant, Autosomal Recessive and X-Linked Classification Criteria (2023). Collection method: clinical testing. Allele origin: unknown.
Comment: This variant is considered benign. This variant is a silent/synonymous amino acid change and it is not expected to impact splicing.

Labcorp Genetics (formerly Invitae), Labcorp
Classification: Likely benign for Rhabdoid tumor predisposition syndrome 2. Last evaluated: 2026-01-19. Review status: criteria provided, single submitter. Criteria: Invitae Variant Classification Sherloc (09022015). Collection method: clinical testing. Allele origin: germline.

Blueprint Genetics
Classification: Likely benign. Last evaluated: 2021-04-08. Review status: criteria provided, single submitter. Criteria: ACMG Guidelines, 2015. Collection method: clinical testing. Allele origin: germline.

Ambry Genetics
Classification: Likely benign for Hereditary cancer-predisposing syndrome. Last evaluated: 2015-06-24. Review status: criteria provided, single submitter. Criteria: Ambry Variant Classification Scheme 2023. Collection method: clinical testing. Allele origin: germline.